The following is an entry in ClinVar:

NM_003331.5(TYK2):c.1156G>A (p.Val386Met)

Gene: TYK2 (tyrosine kinase 2; minus strand). Cytogenetic location: 19p13.2.
Variant type: single nucleotide variant.
Coding change: c.1156G>A on transcript NM_003331.5 (MANE Select); coding-DNA position 1156, G replaced by A.
Protein change: p.Val386Met; replaces valine 386 with methionine.
Molecular consequence: missense variant.
Genome position (GRCh38, 1-based): chr19:10,364,904, C>T on the plus strand (G>A on the coding strand, the complement: TYK2 is on the minus strand). VCF-style: chr19-10364904-C-T. GRCh37 (hg19) VCF-style: chr19-10475580-C-T.
Other names: short protein forms V386M.
Identifiers: ClinVar variation 972099 (VCV000972099.6), dbSNP rs55956017, ClinGen allele CA9193513.

ClinVar aggregate classification (germline): Uncertain significance (1 of 4 stars; one submission).

Conditions:
Immunodeficiency 35 (IMD35). Also called: TYK2 DEFICIENCY; HIES WITH ATYPICAL MYCOBACTERIOSIS, AUTOSOMAL RECESSIVE; HYPER-IgE SYNDROME WITH ATYPICAL MYCOBACTERIOSIS, AUTOSOMAL RECESSIVE; Susceptibility to infection due to TYK2 deficiency. Identifiers: Orphanet 331226, MedGen C1969086, MONDO:0012682, OMIM 611521.

Allele frequency attached by ClinVar (database versions not stated): gnomAD exomes 0.00003; gnomAD 0.00006; TOPMed 0.00007; 1000 Genomes Project 30x 0.00016.
gnomAD v4.1: 53 of 1,614,212 alleles (0.0033%); highest among the groups gnomAD compares: East Asian, 0.087%; no homozygotes.

Submission:

Labcorp Genetics (formerly Invitae), Labcorp
Classification: Uncertain significance for Immunodeficiency 35. Last evaluated: 2022-08-09. Review status: criteria provided, single submitter. Criteria: Invitae Variant Classification Sherloc (09022015). Collection method: clinical testing. Allele origin: germline.
Comment: This sequence change replaces valine, which is neutral and non-polar, with methionine, which is neutral and non-polar, at codon 386 of the TYK2 protein (p.Val386Met). This variant is present in population databases (rs55956017, gnomAD 0.1%). This variant has not been reported in the literature in individuals affected with TYK2-related conditions. ClinVar contains an entry for this variant (Variation ID: 972099). Algorithms developed to predict the effect of missense changes on protein structure and function output the following: SIFT: "Not Available"; PolyPhen-2: "Benign"; Align-GVGD: "Not Available". The methionine amino acid residue is found in multiple mammalian species, which suggests that this missense change does not adversely affect protein function. In summary, the available evidence is currently insufficient to determine the role of this variant in disease. Therefore, it has been classified as a Variant of Uncertain Significance.